The following is an entry in ClinVar:

ClinVar aggregate classification (germline): Uncertain significance (1 of 4 stars; one submission).

Submission:

CeGaT Center for Human Genetics Tuebingen
Classification: Uncertain significance. Last evaluated: 2025-10-01. Review status: criteria provided, single submitter. Criteria: CeGaT Center For Human Genetics Tuebingen Variant Classification Criteria Version 2. Collection method: clinical testing. Allele origin: germline. Affected: yes. Observed: 1 variant allele.
Comment: ARID1B: PM2

NM_001374828.1(ARID1B):c.303C>G (p.Ser101Arg)

Genes: ARID1B (AT-rich interaction domain 1B; plus strand), LOC115308161 (uncharacterized LOC115308161; minus strand), LOC129997523 (ATAC-STARR-seq lymphoblastoid silent region 17710; plus strand). Cytogenetic location: 6q25.3.
Variant type: single nucleotide variant.
Coding change: c.303C>G on transcript NM_001374828.1 (MANE Select); coding-DNA position 303, C replaced by G.
Protein change: p.Ser101Arg; replaces serine 101 with arginine.
Molecular consequence: missense variant.
Genome position (GRCh38, 1-based): chr6:156,777,983, C>G. VCF-style: chr6-156777983-C-G. GRCh37 (hg19) VCF-style: chr6-157099117-C-G.
Other names: c.303C>G, p.Ser101Arg (NM_001371656.1, NM_001374820.1, NM_001438482.1 and 9 more transcripts); short protein forms S101R.
Identifiers: ClinVar variation 4534891 (VCV004534891.6).
Genomic context (GRCh38, chr6:156,777,983, plus strand): 5'-ACTCAACATGGCCCATAACGCGGGCGCCGCGGCCGCCGCCGGCACCCACAGCGCCAAGAG[C>G]GGCGGCTCCGAGGCGGCTCTCAAGGAGGGTGGAAGCGCCGCCGCGCTGTCCTCCTCCTCC-3'
Protein context (NP_001361757.1, residues 91-111): AAAAGTHSAK[Ser101Arg]GGSEAALKEG